The following is an entry in ClinVar:

ClinVar aggregate classification (germline): Uncertain significance. Review status: criteria provided, multiple submitters, no conflicts (2 of 4 stars). 2 submissions from 2 submitters: Uncertain significance (2). Last evaluated 2021-02-02.

Conditions:
Inborn genetic diseases. Identifiers: MedGen C0950123, MeSH D030342.

Allele frequency attached by ClinVar (database versions not stated): ExAC 0.00001; gnomAD exomes 0.00001 and 0.00002; gnomAD 0.00003.
gnomAD v4.1: 32 of 1,613,722 alleles (0.002%); highest among the groups gnomAD compares: African/African-American, 0.0027%; no homozygotes.

Submissions (2):

GeneDx
Classification: Uncertain significance. Last evaluated: 2021-02-02. Review status: criteria provided, single submitter. Criteria: GeneDx Variant Classification Process June 2021. Collection method: clinical testing. Allele origin: germline. Affected: yes.
Comment: Has not been previously published as pathogenic or benign to our knowledge; Not observed at a significant frequency in large population cohorts (Lek et al., 2016); In silico analysis supports that this missense variant does not alter protein structure/function; Reported in ClinVar but additional evidence is not available (ClinVar Variant ID# 521428; Landrum et al., 2016); This variant is associated with the following publications: (PMID: 20649799, 11642233)

Ambry Genetics
Classification: Uncertain significance for Inborn genetic diseases. Last evaluated: 2016-12-12. Review status: criteria provided, single submitter. Criteria: Ambry exome assertion method (8-5-2015). Collection method: clinical testing. Allele origin: germline. Affected: yes. Observed: 1 variant allele.

NM_001365276.2(TNXB):c.9418G>A (p.Val3140Met)

Gene: TNXB (tenascin XB; minus strand). Cytogenetic location: 6p21.33.
Variant type: single nucleotide variant.
Coding change: c.9418G>A on transcript NM_001365276.2 (MANE Select); coding-DNA position 9418, G replaced by A.
Protein change: p.Val3140Met; replaces valine 3140 with methionine.
Molecular consequence: missense variant.
Genome position (GRCh38, 1-based): chr6:32,050,019, C>T on the plus strand (G>A on the coding strand, the complement: TNXB is on the minus strand). VCF-style: chr6-32050019-C-T. GRCh37 (hg19) VCF-style: chr6-32017796-C-T.
Other names: c.9412G>A, p.Val3138Met (NM_019105.8); short protein forms V3138M, V3140M.
Identifiers: ClinVar variation 521428 (VCV000521428.6), dbSNP rs774592301, ClinGen allele CA3733545.